The following is an entry in ClinVar:

ClinVar aggregate classification (germline): Uncertain significance (0 of 4 stars; one submission).

Conditions:
TRIM32-related disorder. Also called: TRIM32-related condition.

Submission:

PreventionGenetics, part of Exact Sciences
Classification: Uncertain significance for TRIM32-related condition. Last evaluated: 2024-02-27. Review status: no assertion criteria provided. Collection method: clinical testing. Allele origin: germline.
Comment: The TRIM32 c.1502G>T variant is predicted to result in the amino acid substitution p.Gly501Val. To our knowledge, this variant has not been reported in the literature or in a large population database, indicating this variant is rare. At this time, the clinical significance of this variant is uncertain due to the absence of conclusive functional and genetic evidence.

NM_012210.4(TRIM32):c.1502G>T (p.Gly501Val)

Genes: ASTN2 (astrotactin 2; minus strand), TRIM32 (tripartite motif containing 32; plus strand). Cytogenetic location: 9q33.1.
Variant type: single nucleotide variant.
Coding change: c.1502G>T on transcript NM_012210.4 (MANE Select); coding-DNA position 1502, G replaced by T.
Protein change: p.Gly501Val; replaces glycine 501 with valine.
Molecular consequence: missense variant. On other transcripts: intron variant (3).
Genome position (GRCh38, 1-based): chr9:116,699,244, G>T. VCF-style: chr9-116699244-G-T. GRCh37 (hg19) VCF-style: chr9-119461523-G-T.
Other names: c.1502G>T, p.Gly501Val (NM_001099679.2, NM_001379048.1, NM_001379049.1 and 1 more transcripts); c.2653+26527C>A (NM_014010.5); c.2794+26527C>A (NM_001365069.1); c.2806+26527C>A (NM_001365068.1); short protein forms G501V.
Identifiers: ClinVar variation 3348806 (VCV003348806.1).